The following is an entry in ClinVar:

ClinVar aggregate classification (germline): Uncertain significance. Review status: criteria provided, multiple submitters, no conflicts (2 of 4 stars). 2 submissions from 2 submitters: Uncertain significance (2). Last evaluated 2024-01-11.

Conditions:
Marfan syndrome (MFS). Also called: MARFAN SYNDROME, TYPE I; Marfan syndrome type 1; Marfan's syndrome; Marfan syndrome, classic; FBN1-Related Marfan Syndrome. Identifiers: Orphanet 284963, Orphanet 558, MedGen C0024796, MONDO:0007947, OMIM 154700.
Familial thoracic aortic aneurysm and aortic dissection (TAAD). Also called: Thoracic aortic aneurysms and dissections. Identifiers: Orphanet 91387, MedGen C4707243, MONDO:0019625.

Allele frequency attached by ClinVar (database versions not stated): gnomAD exomes below 0.00001.
gnomAD v4.1: 4 of 1,614,074 alleles (0.00025%); highest among the groups gnomAD compares: Admixed American, 0.005%; no homozygotes.

Submissions (2):

All of Us Research Program, National Institutes of Health
Classification: Uncertain significance for Marfan syndrome. Last evaluated: 2024-01-11. Review status: criteria provided, single submitter. Criteria: ACMG Guidelines, 2015. Collection method: clinical testing. Allele origin: germline. Inheritance: Autosomal dominant inheritance. Observed: 1 variant allele, 1 heterozygote.
Comment: This study involves interpretation of variants in research participants for the purpose of population health screening. Participant phenotype was not available at the time of variant classification. Additional details can be found in publication PMID: 35346344, PMCID: PMC8962531

Labcorp Genetics (formerly Invitae), Labcorp
Classification: Uncertain significance for Marfan syndrome; Familial thoracic aortic aneurysm and aortic dissection. Last evaluated: 2022-11-28. Review status: criteria provided, single submitter. Criteria: Invitae Variant Classification Sherloc (09022015). Collection method: clinical testing. Allele origin: germline.
Comment: In summary, the available evidence is currently insufficient to determine the role of this variant in disease. Therefore, it has been classified as a Variant of Uncertain Significance. Advanced modeling of protein sequence and biophysical properties (such as structural, functional, and spatial information, amino acid conservation, physicochemical variation, residue mobility, and thermodynamic stability) has been performed at Invitae for this missense variant, however the output from this modeling did not meet the statistical confidence thresholds required to predict the impact of this variant on FBN1 protein function. This variant has not been reported in the literature in individuals affected with FBN1-related conditions. This variant is present in population databases (no rsID available, gnomAD 0.003%). This sequence change replaces threonine, which is neutral and polar, with alanine, which is neutral and non-polar, at codon 382 of the FBN1 protein (p.Thr382Ala).

NM_000138.5(FBN1):c.1144A>G (p.Thr382Ala)

Genes: FBN1 (fibrillin 1; minus strand), LOC113939944 (Sharpr-MPRA regulatory region 9539; plus strand). Cytogenetic location: 15q21.1.
Variant type: single nucleotide variant.
Coding change: c.1144A>G on transcript NM_000138.5 (MANE Select); coding-DNA position 1144, A replaced by G.
Protein change: p.Thr382Ala; replaces threonine 382 with alanine.
Molecular consequence: missense variant.
Genome position (GRCh38, 1-based): chr15:48,520,662, T>C on the plus strand (A>G on the coding strand, the complement: FBN1 is on the minus strand). VCF-style: chr15-48520662-T-C. GRCh37 (hg19) VCF-style: chr15-48812859-T-C.
Other names: c.1144A>G, p.Thr382Ala (NM_001406716.1); short protein forms T382A.
Identifiers: ClinVar variation 1940155 (VCV001940155.6), dbSNP rs1297680405, ClinGen allele CA392347013.